The following is an entry in ClinVar:

NM_000168.6(GLI3):c.-42-149del

Gene: GLI3 (GLI family zinc finger 3; minus strand). Cytogenetic location: 7p14.1.
Variant type: Deletion.
Coding change: c.-42-149del on transcript NM_000168.6 (MANE Select); 149 bases into the intron before 42 bases upstream of the start codon, one base deleted (T; older notation c.-42-149delT).
Molecular consequence: intron variant.
Genome position (GRCh38, 1-based): chr7:42,223,444, A deleted on the plus strand (T on the coding strand, the reverse complement: GLI3 is on the minus strand); the first of 10 consecutive A bases (chr7:42,223,444-42,223,453); deleting any one gives the same sequence. VCF-style (leftmost placement, unchanged base first): chr7-42223443-CA-C. GRCh37 (hg19) VCF-style: chr7-42263042-CA-C.
Identifiers: ClinVar variation 681331 (VCV000681331.1), dbSNP rs11366795, ClinGen allele CA157302467.

ClinVar aggregate classification (germline): Benign (1 of 4 stars; one submission).

Submission:

GeneDx
Classification: Benign. Last evaluated: 2018-06-14. Review status: criteria provided, single submitter. Criteria: GeneDx Variant Classification (06012015). Collection method: clinical testing. Allele origin: germline. Affected: yes.
Comment: This variant is considered likely benign or benign based on one or more of the following criteria: it is a conservative change, it occurs at a poorly conserved position in the protein, it is predicted to be benign by multiple in silico algorithms, and/or has population frequency not consistent with disease.